The following is an entry in ClinVar:

NM_000051.4(ATM):c.4611+1del

Gene: ATM (ATM serine/threonine kinase; plus strand). Cytogenetic location: 11q22.3.
Variant type: Deletion.
Coding change: c.4611+1del on transcript NM_000051.4 (MANE Select); the canonical splice donor site of the intron after coding-DNA position 4611, one base deleted (G; older notation c.4611+1delG).
Molecular consequence: splice donor variant.
Genome position (GRCh38, 1-based): chr11:108,292,794, G deleted; the last of 2 consecutive G bases (chr11:108,292,793-108,292,794); deleting either gives the same sequence. VCF-style (leftmost placement, unchanged base first): chr11-108292792-AG-A. GRCh37 (hg19) VCF-style: chr11-108163519-AG-A.
Other names: c.4611+1delG (NM_000051.3); c.4611+1del (NM_001351834.2).
Identifiers: ClinVar variation 631284 (VCV000631284.12), dbSNP rs1565461824, ClinGen allele CA913188384.

ClinVar aggregate classification (germline): Likely pathogenic. Review status: criteria provided, multiple submitters, no conflicts (2 of 4 stars). 4 submissions from 4 submitters: Likely pathogenic (4). Last evaluated 2025-08-11.

Conditions:
Hereditary cancer-predisposing syndrome. Also called: Hereditary Cancer Syndrome; Neoplastic Syndromes, Hereditary; Tumor predisposition; Hereditary neoplastic syndrome. Identifiers: Orphanet 140162, MedGen C0027672, MeSH D009386, MONDO:0015356.
Familial cancer of breast. Also called: BREAST CANCER, FAMILIAL; hereditary breast carcinoma; Hereditary breast cancer. Identifiers: Orphanet 227535, MedGen C0346153, MONDO:0016419, OMIM 114480. Disease mechanism: loss of function.
Ataxia-telangiectasia syndrome (AT). Also called: Ataxia-telangiectasia, complementation group D; AT, COMPLEMENTATION GROUP C; Ataxia-telangiectasia; ATAXIA-TELANGIECTASIA, COMPLEMENTATION GROUP A; ATAXIA-TELANGIECTASIA, FRESNO VARIANT; LOUIS-BAR SYNDROME. Identifiers: Orphanet 100, MedGen C0004135, MONDO:0008840, OMIM 208900.

Submissions (4):

Ambry Genetics
Classification: Likely pathogenic for Hereditary cancer-predisposing syndrome. Last evaluated: 2025-08-11. Review status: criteria provided, single submitter. Criteria: Ambry Variant Classification Scheme 2023. Collection method: clinical testing. Allele origin: germline.
Comment: The c.4611+1delG intronic variant, located in intron 29 of the ATM gene, results from a deletion of one nucleotide within intron 29 of the ATM gene. This nucleotide position is highly conserved in available vertebrate species. In silico splice site analysis predicts that this alteration will weaken the native splice donor site. RNA studies have demonstrated that this alteration results in abnormal splicing in the set of samples tested (Ambry internal data). This variant is considered to be rare based on population cohorts in the Genome Aggregation Database (gnomAD). Based on the majority of available evidence to date, this variant is likely to be pathogenic.

Myriad Genetics, Inc.
Classification: Likely pathogenic for Familial cancer of breast. Last evaluated: 2024-03-29. Review status: criteria provided, single submitter. Criteria: Myriad Autosomal Dominant, Autosomal Recessive and X-Linked Classification Criteria (2023). Collection method: clinical testing. Allele origin: unknown.
Comment: This variant is considered likely pathogenic. This variant occurs within a consensus splice junction and is predicted to result in abnormal mRNA splicing of either an out-of-frame exon or an in-frame exon necessary for protein stability and/or normal function.

Labcorp Genetics (formerly Invitae), Labcorp
Classification: Likely pathogenic for Ataxia-telangiectasia syndrome. Last evaluated: 2022-03-28. Review status: criteria provided, single submitter. Criteria: Invitae Variant Classification Sherloc (09022015). Collection method: clinical testing. Allele origin: germline.
Comment: This sequence change affects a splice site in intron 30 of the ATM gene. It is expected to disrupt RNA splicing. Variants that disrupt the donor or acceptor splice site typically lead to a loss of protein function (PMID: 16199547), and loss-of-function variants in ATM are known to be pathogenic (PMID: 23807571, 25614872). In summary, the currently available evidence indicates that the variant is pathogenic, but additional data are needed to prove that conclusively. Therefore, this variant has been classified as Likely Pathogenic. Algorithms developed to predict the effect of sequence changes on RNA splicing suggest that this variant may disrupt the consensus splice site. ClinVar contains an entry for this variant (Variation ID: 631284). This variant has not been reported in the literature in individuals affected with ATM-related conditions. This variant is not present in population databases (gnomAD no frequency).

Color Diagnostics, LLC DBA Color Health
Classification: Likely pathogenic for Hereditary cancer-predisposing syndrome. Last evaluated: 2021-07-22. Review status: criteria provided, single submitter. Criteria: ACMG Guidelines, 2015. Collection method: clinical testing. Allele origin: germline.
Comment: This variant deletes a nucleotide at the +1 position of intron 30 of the ATM gene. Splice site prediction tools suggest that this variant may have a significant impact on RNA splicing. Although this prediction has not been confirmed in published RNA studies, this variant is expected to result in an absent or disrupted protein product. To our knowledge, this variant has not been reported in individuals affected with hereditary cancer in the literature. This variant has not been identified in the general population by the Genome Aggregation Database (gnomAD). Loss of ATM function is a known mechanism of disease. Based on the available evidence, this variant is classified as Likely Pathogenic.

Literature cited by the submitters: PubMed 16199547 (cited by Labcorp Genetics (formerly Invitae), Labcorp); PubMed 23807571 (cited by Labcorp Genetics (formerly Invitae), Labcorp); PubMed 25614872 (cited by Labcorp Genetics (formerly Invitae), Labcorp).